The following is an entry in ClinVar:

ClinVar aggregate classification (germline): Uncertain significance (1 of 4 stars; one submission).

Submission:

GeneDx
Classification: Uncertain significance. Last evaluated: 2026-02-24. Review status: criteria provided, single submitter. Criteria: GeneDx Variant Classification Process June 2021. Collection method: clinical testing. Allele origin: germline.
Comment: Not observed at significant frequency in large population cohorts (gnomAD); In silico analysis supports that this missense variant has a deleterious effect on protein structure/function; Has not been previously published as pathogenic or benign to our knowledge

NM_152594.3(SPRED1):c.778G>A (p.Asp260Asn)

Gene: SPRED1 (sprouty related EVH1 domain containing 1; plus strand). Cytogenetic location: 15q14.
Variant type: single nucleotide variant.
Coding change: c.778G>A on transcript NM_152594.3 (MANE Select); coding-DNA position 778, G replaced by A.
Protein change: p.Asp260Asn; replaces aspartic acid 260 with asparagine.
Molecular consequence: missense variant.
Genome position (GRCh38, 1-based): chr15:38,351,107, G>A. VCF-style: chr15-38351107-G-A. GRCh37 (hg19) VCF-style: chr15-38643308-G-A.
Other names: short protein forms D260N.
Identifiers: ClinVar variation 5009331 (VCV005009331.1).